The following is an entry in ClinVar:

NM_001083961.2(WDR62):c.2193C>A (p.Ile731=)

Gene: WDR62 (WD repeat domain 62; plus strand). Cytogenetic location: 19q13.12.
Variant type: single nucleotide variant.
Coding change: c.2193C>A on transcript NM_001083961.2 (MANE Select); coding-DNA position 2193, C replaced by A.
Protein change: p.Ile731=; no amino-acid change (isoleucine 731 retained).
Molecular consequence: synonymous variant.
Genome position (GRCh38, 1-based): chr19:36,091,448, C>A. VCF-style: chr19-36091448-C-A. GRCh37 (hg19) VCF-style: chr19-36582350-C-A.
Other names: c.2178C>A, p.Ile726= (NM_001411145.1); c.2193C>A, p.Ile731= (NM_001411146.1, NM_173636.5); c.1842C>A, p.Ile614= (NM_001411147.1).
Identifiers: ClinVar variation 3029467 (VCV003029467.2), dbSNP rs1568356820, ClinGen allele CA507111165.

ClinVar aggregate classification (germline): Likely benign (0 of 4 stars; one submission).

Conditions:
WDR62-related disorder. Also called: WDR62-related condition.

Allele frequency attached by ClinVar (database versions not stated): TOPMed below 0.00001; gnomAD exomes 0.00001.
gnomAD v4.1: 5 of 1,608,230 alleles (0.00031%); highest among the groups gnomAD compares: Non-Finnish European, 0.00043%; no homozygotes.

Submission:

PreventionGenetics, part of Exact Sciences
Classification: Likely benign for WDR62-related condition. Last evaluated: 2021-05-25. Review status: no assertion criteria provided. Collection method: clinical testing. Allele origin: germline.
Comment: This variant is classified as likely benign based on ACMG/AMP sequence variant interpretation guidelines (Richards et al. 2015 PMID: 25741868, with internal and published modifications).